The following is an entry in ClinVar:

NM_025179.4(PLXNA2):c.4474C>T (p.Arg1492Trp)

Gene: PLXNA2 (plexin A2; minus strand). Cytogenetic location: 1q32.2.
Variant type: single nucleotide variant.
Coding change: c.4474C>T on transcript NM_025179.4 (MANE Select); coding-DNA position 4474, C replaced by T.
Protein change: p.Arg1492Trp; replaces arginine 1492 with tryptophan.
Molecular consequence: missense variant.
Genome position (GRCh38, 1-based): chr1:208,039,647, G>A on the plus strand (C>T on the coding strand, the complement: PLXNA2 is on the minus strand). VCF-style: chr1-208039647-G-A. GRCh37 (hg19) VCF-style: chr1-208212992-G-A.
Other names: short protein forms R1492W.
Identifiers: ClinVar variation 4987813 (VCV004987813.1).

ClinVar aggregate classification (germline): Uncertain significance (1 of 4 stars; one submission).

Conditions:
PLXNA2-related disorder. Also called: PLXNA2-related condition.

gnomAD v4.1: 6 of 1,614,002 alleles (0.00037%); highest among the groups gnomAD compares: Non-Finnish European, 0.00042%; no homozygotes.

Submission:

PreventionGenetics, part of Exact Sciences
Classification: Uncertain significance for PLXNA2-related condition. Last evaluated: 2026-02-19. Review status: criteria provided, single submitter. Criteria: ACMG Guidelines, 2015. Collection method: clinical testing. Allele origin: germline.
Comment: The PLXNA2 c.4474C>T variant is predicted to result in the amino acid substitution p.Arg1492Trp. To our knowledge, this variant has not been reported in the literature. This variant is reported in 0.0046% of alleles in individuals of European (Finnish) descent in gnomAD. At this time, the clinical significance of this variant is uncertain due to the absence of conclusive functional and genetic evidence.